The following is an entry in ClinVar:

ClinVar aggregate classification (germline): Uncertain significance (1 of 4 stars; one submission).

Conditions:
Cardiovascular phenotype. Identifiers: MedGen CN230736.

Submission:

Ambry Genetics
Classification: Uncertain significance for Cardiovascular phenotype. Last evaluated: 2025-09-17. Review status: criteria provided, single submitter. Criteria: Ambry Variant Classification Scheme 2023. Collection method: clinical testing. Allele origin: germline.
Comment: The p.K391E variant (also known as c.1171A>G), located in coding exon 9 of the MAT2A gene, results from an A to G substitution at nucleotide position 1171. The lysine at codon 391 is replaced by glutamic acid, an amino acid with similar properties. This amino acid position is conserved. In addition, this alteration is predicted to be deleterious by in silico analysis. Based on the available evidence, the clinical significance of this variant remains unclear.

NM_005911.6(MAT2A):c.1171A>G (p.Lys391Glu)

Genes: GGCX (gamma-glutamyl carboxylase; minus strand), MAT2A (methionine adenosyltransferase 2A; plus strand). Cytogenetic location: 2p11.2.
Variant type: single nucleotide variant.
Coding change: c.1171A>G on transcript NM_005911.6 (MANE Select); coding-DNA position 1171, A replaced by G.
Protein change: p.Lys391Glu; replaces lysine 391 with glutamic acid.
Molecular consequence: missense variant.
Genome position (GRCh38, 1-based): chr2:85,543,755, A>G. VCF-style: chr2-85543755-A-G. GRCh37 (hg19) VCF-style: chr2-85770878-A-G.
Other names: short protein forms K391E.
Identifiers: ClinVar variation 4614564 (VCV004614564.1).